The following is an entry in ClinVar:

ClinVar aggregate classification (germline): Uncertain significance (1 of 4 stars; one submission).

Conditions:
Congenital disorder of glycosylation, type Ii. Also called: CDG Ii; ALG2-congenital disorder of glycosylation; ALG2-CDG. Identifiers: Orphanet 79326, MedGen C1842836, MONDO:0011933, OMIM 607906.
Congenital myasthenic syndrome 14. Also called: Myasthenic syndrome, congenital, 14, with tubular aggregates. Identifiers: Orphanet 353327, Orphanet 590, MedGen C4015597, MONDO:0014543, OMIM 616228.

Allele frequency attached by ClinVar (database versions not stated): gnomAD exomes 0.00001.
gnomAD v4.1: 18 of 1,614,234 alleles (0.0011%); highest among the groups gnomAD compares: Non-Finnish European, 0.0014%; no homozygotes.

Submission:

Labcorp Genetics (formerly Invitae), Labcorp
Classification: Uncertain significance for Congenital disorder of glycosylation, type Ii; Congenital myasthenic syndrome 14. Last evaluated: 2025-08-18. Review status: criteria provided, single submitter. Criteria: Invitae Variant Classification Sherloc (09022015). Collection method: clinical testing. Allele origin: germline.
Comment: This sequence change replaces isoleucine, which is neutral and non-polar, with valine, which is neutral and non-polar, at codon 231 of the ALG2 protein (p.Ile231Val). This variant is not present in population databases (gnomAD no frequency). This variant has not been reported in the literature in individuals affected with ALG2-related conditions. ClinVar contains an entry for this variant (Variation ID: 1934780). An algorithm developed to predict the effect of missense changes on protein structure and function (PolyPhen-2) suggests that this variant is likely to be disruptive. In summary, the available evidence is currently insufficient to determine the role of this variant in disease. Therefore, it has been classified as a Variant of Uncertain Significance.

NM_033087.4(ALG2):c.691A>G (p.Ile231Val)

Gene: ALG2 (ALG2 alpha-1,3/1,6-mannosyltransferase; minus strand). Cytogenetic location: 9q22.33.
Variant type: single nucleotide variant.
Coding change: c.691A>G on transcript NM_033087.4 (MANE Select); coding-DNA position 691, A replaced by G.
Protein change: p.Ile231Val; replaces isoleucine 231 with valine.
Molecular consequence: missense variant. On other transcripts: non-coding transcript variant (1).
Genome position (GRCh38, 1-based): chr9:99,218,494, T>C on the plus strand (A>G on the coding strand, the complement: ALG2 is on the minus strand). VCF-style: chr9-99218494-T-C. GRCh37 (hg19) VCF-style: chr9-101980776-T-C.
Other names: short protein forms I231V.
Identifiers: ClinVar variation 1934780 (VCV001934780.5), dbSNP rs2490383490, ClinGen allele CA374228294.